The following is an entry in ClinVar:

ClinVar aggregate classification (germline): Uncertain significance (1 of 4 stars; one submission).

gnomAD v4.1: 1 of 1,613,734 alleles (0.000062%); highest among the groups gnomAD compares: Non-Finnish European, 0.000085%; no homozygotes.

Submission:

GeneDx
Classification: Uncertain significance. Last evaluated: 2024-09-29. Review status: criteria provided, single submitter. Criteria: GeneDx Variant Classification Process June 2021. Collection method: clinical testing. Allele origin: germline. Affected: yes.
Comment: Not observed at significant frequency in large population cohorts (gnomAD); In silico analysis supports that this missense variant has a deleterious effect on protein structure/function; Has not been previously published as pathogenic or benign to our knowledge

NM_001273.5(CHD4):c.443C>T (p.Pro148Leu)

Gene: CHD4 (chromodomain helicase DNA binding protein 4; minus strand). Cytogenetic location: 12p13.31.
Variant type: single nucleotide variant.
Coding change: c.443C>T on transcript NM_001273.5 (MANE Select); coding-DNA position 443, C replaced by T.
Protein change: p.Pro148Leu; replaces proline 148 with leucine.
Molecular consequence: missense variant.
Genome position (GRCh38, 1-based): chr12:6,601,762, G>A on the plus strand (C>T on the coding strand, the complement: CHD4 is on the minus strand). VCF-style: chr12-6601762-G-A. GRCh37 (hg19) VCF-style: chr12-6710928-G-A.
Other names: c.422C>T, p.Pro141Leu (NM_001297553.2); c.443C>T, p.Pro148Leu (NM_001363606.2); short protein forms P141L, P148L.
Identifiers: ClinVar variation 3774889 (VCV003774889.1).
Genomic context (GRCh38, chr12:6,601,762, plus strand): 5'-GAGAACACGTGGTCAATGTCTTCCATGCCCCAGTCTTCCAGGAGCTGAGCAGATGATTTA[G>A]GCTCCTGCAGAAAGAGCAAAGTCAAGTAAGTACCTGCCACCTAGTGCCCACACTTGCTAA-3'
Protein context (NP_001264.2, residues 138-158): EEDDDDDSKE[Pro148Leu]KSSAQLLEDW